The following is an entry in ClinVar:

NM_004393.6(DAG1):c.1795C>T (p.Pro599Ser)

Gene: DAG1 (dystroglycan 1; plus strand). Cytogenetic location: 3p21.31.
Variant type: single nucleotide variant.
Coding change: c.1795C>T on transcript NM_004393.6 (MANE Select); coding-DNA position 1795, C replaced by T.
Protein change: p.Pro599Ser; replaces proline 599 with serine.
Molecular consequence: missense variant.
Genome position (GRCh38, 1-based): chr3:49,532,306, C>T. VCF-style: chr3-49532306-C-T. GRCh37 (hg19) VCF-style: chr3-49569739-C-T.
Other names: c.1795C>T, p.Pro599Ser (NM_001165928.4, NM_001177634.3, NM_001177635.3 and 9 more transcripts); short protein forms P599S.
Identifiers: ClinVar variation 931246 (VCV000931246.4), dbSNP rs2051376280, ClinGen allele CA352796161.

ClinVar aggregate classification (germline): Uncertain significance (1 of 4 stars; one submission).

Conditions:
Muscular dystrophy-dystroglycanopathy (congenital with brain and eye anomalies), type A9. Also called: WALKER-WARBURG SYNDROME OR MUSCLE-EYE BRAIN DISEASE, DAG1-RELATED; Muscular dystrophy-dystroglycanopathy (congenital with brain and eye anomalies), type a, 9. Identifiers: Orphanet 370997, Orphanet 899, MedGen C4225291, MONDO:0014683, OMIM 616538.

Submission:

Centre for Mendelian Genomics, University Medical Centre Ljubljana
Classification: Uncertain significance for Muscular dystrophy-dystroglycanopathy (congenital with brain and eye anomalies), type A9. Last evaluated: 2019-12-16. Review status: criteria provided, single submitter. Criteria: ACMG Guidelines, 2015. Collection method: clinical testing. Allele origin: unknown. Affected: yes.
Comment: This variant was classified as: Uncertain significance. The available evidence on this variant's pathogenicity is insufficient or conflicting. The following ACMG criteria were applied in classifying this variant: PM2.